The following is an entry in ClinVar:

NM_033109.5(PNPT1):c.232A>G (p.Thr78Ala)

Gene: PNPT1 (polyribonucleotide nucleotidyltransferase 1; minus strand). Cytogenetic location: 2p16.1.
Variant type: single nucleotide variant.
Coding change: c.232A>G on transcript NM_033109.5 (MANE Select); coding-DNA position 232, A replaced by G.
Protein change: p.Thr78Ala; replaces threonine 78 with alanine.
Molecular consequence: missense variant.
Genome position (GRCh38, 1-based): chr2:55,686,435, T>C on the plus strand (A>G on the coding strand, the complement: PNPT1 is on the minus strand). VCF-style: chr2-55686435-T-C. GRCh37 (hg19) VCF-style: chr2-55913570-T-C.
Other names: c.232A>G (NM_033109.3, NM_033109.4); short protein forms T78A.
Identifiers: ClinVar variation 2689802 (VCV002689802.4), dbSNP rs768510266, ClinGen allele CA1668572.
Genomic context (GRCh38, chr2:55,686,435, plus strand): 5'-AAGGCATAAACTGGGAAGGGGAAGGTTTTGTTTTACTGACCGCTGTGACCATTACTGCAG[T>C]GTCACCTGACTTAAACATAAAGAACAACGCTGGTAAGTTCCTTTGAAATCAGATATTAGC-3'
Protein context (NP_149100.2, residues 68-88): DGSAVVQSGD[Thr78Ala]AVMVTAVSKT

ClinVar aggregate classification (germline): Uncertain significance. Review status: criteria provided, multiple submitters, no conflicts (2 of 4 stars). 3 submissions from 3 submitters: Uncertain significance (3). Last evaluated 2025-11-20.

Conditions:
Inborn genetic diseases. Identifiers: MedGen C0950123, MeSH D030342.

Allele frequency attached by ClinVar (database versions not stated): gnomAD 0.00001; gnomAD exomes 0.00002; ExAC 0.00009; TOPMed 0.00002.
gnomAD v4.1: 36 of 1,613,178 alleles (0.0022%); highest among the groups gnomAD compares: South Asian, 0.032%; no homozygotes.

Submissions (3):

Ambry Genetics
Classification: Uncertain significance for Inborn genetic diseases. Last evaluated: 2025-11-20. Review status: criteria provided, single submitter. Criteria: Ambry Variant Classification Scheme 2023. Collection method: clinical testing. Allele origin: germline.

GeneDx
Classification: Uncertain significance. Last evaluated: 2025-02-27. Review status: criteria provided, single submitter. Criteria: GeneDx Variant Classification Process June 2021. Collection method: clinical testing. Allele origin: germline. Affected: yes.
Comment: In silico analysis supports that this missense variant has a deleterious effect on protein structure/function; Has not been previously published as pathogenic or benign to our knowledge

Revvity Omics, Revvity
Classification: Uncertain significance. Last evaluated: 2023-02-10. Review status: criteria provided, single submitter. Criteria: ACMG Guidelines, 2015. Collection method: clinical testing. Allele origin: germline.